The following is an entry in ClinVar:

ClinVar aggregate classification (germline): Uncertain significance (1 of 4 stars; one submission).

Conditions:
Combined immunodeficiency due to CD3gamma deficiency. Also called: CD3-GAMMA DEFICIENCY; SCID-LIKE IMMUNODEFICIENCY, T CELL-PARTIAL, B CELL-POSITIVE, NK CELL-POSITIVE; Immunodeficiency 17; Immunodeficiency 17, CD3 gamma deficient. Identifiers: Orphanet 169082, MedGen C3810107, MONDO:0014276, OMIM 615607.

Allele frequency attached by ClinVar (database versions not stated): gnomAD exomes below 0.00001.
gnomAD v4.1: 1 of 1,613,946 alleles (0.000062%); highest among the groups gnomAD compares: Non-Finnish European, 0.000085%; no homozygotes.

Submission:

Labcorp Genetics (formerly Invitae), Labcorp
Classification: Uncertain significance for Combined immunodeficiency due to CD3gamma deficiency. Last evaluated: 2020-11-25. Review status: criteria provided, single submitter. Criteria: Invitae Variant Classification Sherloc (09022015). Collection method: clinical testing. Allele origin: germline.
Comment: This variant has not been reported in the literature in individuals with CD3G-related conditions. In summary, the available evidence is currently insufficient to determine the role of this variant in disease. Therefore, it has been classified as a Variant of Uncertain Significance. Algorithms developed to predict the effect of missense changes on protein structure and function output the following: SIFT: "Tolerated"; PolyPhen-2: "Benign"; Align-GVGD: "Class C0". The isoleucine amino acid residue is found in multiple mammalian species, suggesting that this missense change does not adversely affect protein function. These predictions have not been confirmed by published functional studies and their clinical significance is uncertain. This variant is not present in population databases (ExAC no frequency). This sequence change replaces threonine with isoleucine at codon 54 of the CD3G protein (p.Thr54Ile). The threonine residue is weakly conserved and there is a moderate physicochemical difference between threonine and isoleucine.

NM_000073.3(CD3G):c.161C>T (p.Thr54Ile)

Genes: CD3G (CD3 gamma subunit of T-cell receptor complex; plus strand), LOC126861358 (BRD4-independent group 4 enhancer GRCh37_chr11:118220212-118221411; plus strand). Cytogenetic location: 11q23.3.
Variant type: single nucleotide variant.
Coding change: c.161C>T on transcript NM_000073.3 (MANE Select); coding-DNA position 161, C replaced by T.
Protein change: p.Thr54Ile; replaces threonine 54 with isoleucine.
Molecular consequence: missense variant.
Genome position (GRCh38, 1-based): chr11:118,349,824, C>T. VCF-style: chr11-118349824-C-T. GRCh37 (hg19) VCF-style: chr11-118220539-C-T.
Other names: short protein forms T54I.
Identifiers: ClinVar variation 1365816 (VCV001365816.8), dbSNP rs2134069673, ClinGen allele CA382792405.